The following is an entry in ClinVar:

NM_004341.5(CAD):c.6079C>T (p.Gln2027Ter)

Gene: CAD (carbamoyl-phosphate synthetase 2, aspartate transcarbamylase, and dihydroorotase; plus strand). Cytogenetic location: 2p23.3.
Variant type: single nucleotide variant.
Coding change: c.6079C>T on transcript NM_004341.5 (MANE Select); coding-DNA position 6079, C replaced by T.
Protein change: p.Gln2027Ter; replaces glutamine 2027 with a stop codon.
Molecular consequence: nonsense.
Genome position (GRCh38, 1-based): chr2:27,242,106, C>T. VCF-style: chr2-27242106-C-T. GRCh37 (hg19) VCF-style: chr2-27464974-C-T.
Other names: c.5890C>T, p.Gln1964Ter (NM_001306079.2); short protein forms Q1964*, Q2027*.
Identifiers: ClinVar variation 1456472 (VCV001456472.7), dbSNP rs766975615, ClinGen allele CA346224255.

ClinVar aggregate classification (germline): Pathogenic (1 of 4 stars; one submission).

Submission:

Labcorp Genetics (formerly Invitae), Labcorp
Classification: Pathogenic. Last evaluated: 2023-02-25. Review status: criteria provided, single submitter. Criteria: Invitae Variant Classification Sherloc (09022015). Collection method: clinical testing. Allele origin: germline.
Comment: This sequence change creates a premature translational stop signal (p.Gln2027*) in the CAD gene. It is expected to result in an absent or disrupted protein product. Loss-of-function variants in CAD are known to be pathogenic (PMID: 28007989, 32117025, 32820246, 33497533). For these reasons, this variant has been classified as Pathogenic. This variant is not present in population databases (gnomAD no frequency). This variant has not been reported in the literature in individuals affected with CAD-related conditions. ClinVar contains an entry for this variant (Variation ID: 1456472).

Literature cited by the submitters: PubMed 28007989; PubMed 32117025; PubMed 32820246; PubMed 33497533.